The following is an entry in ClinVar:

NM_015102.5(NPHP4):c.2459G>A (p.Arg820Gln)

Gene: NPHP4 (nephrocystin 4; minus strand). Cytogenetic location: 1p36.31.
Variant type: single nucleotide variant.
Coding change: c.2459G>A on transcript NM_015102.5 (MANE Select); coding-DNA position 2459, G replaced by A.
Protein change: p.Arg820Gln; replaces arginine 820 with glutamine.
Molecular consequence: missense variant. On other transcripts: non-coding transcript variant (1).
Genome position (GRCh38, 1-based): chr1:5,887,312, C>T on the plus strand (G>A on the coding strand, the complement: NPHP4 is on the minus strand). VCF-style: chr1-5887312-C-T. GRCh37 (hg19) VCF-style: chr1-5947372-C-T.
Other names: c.920G>A, p.Arg307Gln (NM_001291593.2); c.923G>A, p.Arg308Gln (NM_001291594.2); short protein forms R820Q, R307Q, R308Q.
Identifiers: ClinVar variation 297806 (VCV000297806.8), dbSNP rs759656675, ClinGen allele CA554113.

ClinVar aggregate classification (germline): Uncertain significance. Review status: criteria provided, multiple submitters, no conflicts (2 of 4 stars). 3 submissions from 2 submitters: Uncertain significance (3). Last evaluated 2022-03-22.

Conditions:
Nephronophthisis. Also called: Juvenile Nephronophthisis. Identifiers: Orphanet 655, MedGen C0687120, MONDO:0019005, HP:0000090.
Senior-Loken syndrome 4 (SLSN4). Identifiers: Orphanet 3156, MedGen C1846979, MONDO:0011756, OMIM 606996.
Nephronophthisis 4 (NPHP4). Also called: NEPHRONOPHTHISIS 4, JUVENILE. Identifiers: Orphanet 655, MedGen C1847013, MONDO:0011752, OMIM 606966.

Allele frequency attached by ClinVar (database versions not stated): ExAC 0.00001; gnomAD 0.00001; gnomAD exomes 0.00001; TOPMed 0.00001.
gnomAD v4.1: 35 of 1,613,290 alleles (0.0022%); highest among the groups gnomAD compares: Non-Finnish European, 0.0027%; no homozygotes.

Submissions (3):

Labcorp Genetics (formerly Invitae), Labcorp
Classification: Uncertain significance for Nephronophthisis. Last evaluated: 2022-03-22. Review status: criteria provided, single submitter. Criteria: Invitae Variant Classification Sherloc (09022015). Collection method: clinical testing. Allele origin: germline.
Comment: This sequence change replaces arginine, which is basic and polar, with glutamine, which is neutral and polar, at codon 820 of the NPHP4 protein (p.Arg820Gln). This variant is present in population databases (rs759656675, gnomAD 0.007%). This variant has not been reported in the literature in individuals affected with NPHP4-related conditions. ClinVar contains an entry for this variant (Variation ID: 297806). Algorithms developed to predict the effect of missense changes on protein structure and function output the following: SIFT: "Tolerated"; PolyPhen-2: "Benign"; Align-GVGD: "Class C0". The glutamine amino acid residue is found in multiple mammalian species, which suggests that this missense change does not adversely affect protein function. In summary, the available evidence is currently insufficient to determine the role of this variant in disease. Therefore, it has been classified as a Variant of Uncertain Significance.

Illumina Laboratory Services, Illumina
Classification: Uncertain significance for Nephronophthisis 4. Last evaluated: 2018-01-13. Review status: criteria provided, single submitter. Criteria: ICSL Variant Classification Criteria 13 December 2019. Collection method: clinical testing. Allele origin: germline.

Illumina Laboratory Services, Illumina
Classification: Uncertain significance for Senior-Loken syndrome 4. Last evaluated: 2018-01-13. Review status: criteria provided, single submitter. Criteria: ICSL Variant Classification Criteria 13 December 2019. Collection method: clinical testing. Allele origin: germline.